The following is an entry in ClinVar:

ClinVar aggregate classification (germline): Uncertain significance. Review status: criteria provided, multiple submitters, no conflicts (2 of 4 stars). 3 submissions from 3 submitters: Uncertain significance (3). Last evaluated 2026-06-15.

Conditions:
Inborn genetic diseases. Identifiers: MedGen C0950123, MeSH D030342.
TCF3-related disorder. Also called: TCF3-related condition.

Allele frequency attached by ClinVar (database versions not stated): TOPMed below 0.00001; gnomAD exomes 0.00002 and 0.00004; ExAC 0.00003.
gnomAD v4.1: 10 of 1,599,298 alleles (0.00063%); highest among the groups gnomAD compares: Admixed American, 0.017%; no homozygotes.

Submissions (3):

PreventionGenetics, part of Exact Sciences
Classification: Uncertain significance for TCF3-related condition. Last evaluated: 2026-06-15. Review status: criteria provided, single submitter. Criteria: ACMG Guidelines, 2015. Collection method: clinical testing. Allele origin: germline.
Comment: The TCF3 c.1447A>G variant is predicted to result in the amino acid substitution p.Ser483Gly. To our knowledge, this variant has not been reported in the literature. This variant is reported in 0.023% of alleles in individuals of Latino descent in gnomAD. At this time, the clinical significance of this variant is uncertain due to the absence of conclusive functional and genetic evidence.

Labcorp Genetics (formerly Invitae), Labcorp
Classification: Uncertain significance. Last evaluated: 2025-10-12. Review status: criteria provided, single submitter. Criteria: Invitae Variant Classification Sherloc (09022015). Collection method: clinical testing. Allele origin: germline.
Comment: This sequence change replaces serine, which is neutral and polar, with glycine, which is neutral and non-polar, at codon 483 of the TCF3 protein (p.Ser483Gly). This variant is present in population databases (rs751254312, gnomAD 0.02%). This variant has not been reported in the literature in individuals affected with TCF3-related conditions. ClinVar contains an entry for this variant (Variation ID: 1438720). Invitae Evidence Modeling of protein sequence and biophysical properties (such as structural, functional, and spatial information, amino acid conservation, physicochemical variation, residue mobility, and thermodynamic stability) indicates that this missense variant is not expected to disrupt TCF3 protein function with a negative predictive value of 80%. In summary, the available evidence is currently insufficient to determine the role of this variant in disease. Therefore, it has been classified as a Variant of Uncertain Significance.

Ambry Genetics
Classification: Uncertain significance for Inborn genetic diseases. Last evaluated: 2024-05-26. Review status: criteria provided, single submitter. Criteria: Ambry Variant Classification Scheme 2023. Collection method: clinical testing. Allele origin: germline.

NM_003200.5(TCF3):c.1447A>G (p.Ser483Gly)

Gene: TCF3 (transcription factor 3; minus strand). Cytogenetic location: 19p13.3.
Variant type: single nucleotide variant.
Coding change: c.1447A>G on transcript NM_003200.5 (MANE Select); coding-DNA position 1447, A replaced by G.
Protein change: p.Ser483Gly; replaces serine 483 with glycine.
Molecular consequence: missense variant.
Genome position (GRCh38, 1-based): chr19:1,619,114, T>C on the plus strand (A>G on the coding strand, the complement: TCF3 is on the minus strand). VCF-style: chr19-1619114-T-C. GRCh37 (hg19) VCF-style: chr19-1619113-T-C.
Other names: c.1447A>G, p.Ser483Gly (NM_001136139.4, NM_001351779.2); c.1444A>G, p.Ser482Gly (NM_001351778.2); c.1447A>G (NM_003200.3); short protein forms S482G, S483G.
Identifiers: ClinVar variation 1438720 (VCV001438720.8), dbSNP rs751254312, ClinGen allele CA9049852.